The following is an entry in ClinVar:

NM_001354712.2(THRB):c.*468G>A

Gene: THRB (thyroid hormone receptor beta; minus strand). Cytogenetic location: 3p24.2.
Variant type: single nucleotide variant.
Coding change: c.*468G>A on transcript NM_001354712.2 (MANE Select); 468 bases downstream of the stop codon, G replaced by A.
Molecular consequence: 3 prime UTR variant.
Genome position (GRCh38, 1-based): chr3:24,122,416, C>T on the plus strand (G>A on the coding strand, the complement: THRB is on the minus strand). VCF-style: chr3-24122416-C-T. GRCh37 (hg19) VCF-style: chr3-24163907-C-T.
Other names: c.*468G>A (NM_000461.5, NM_001128176.3, NM_001128177.2 and 8 more transcripts).
Identifiers: ClinVar variation 344628 (VCV000344628.5), dbSNP rs190078914, ClinGen allele CA10616064.
Genomic context (GRCh38, chr3:24,122,416, plus strand): 5'-TCCTAGGAGACCATAAAGAGTGCTGCAAACAGCATGCTCTTGAATAGATGAAAATTTGTT[C>T]GAGTCTTTCCCTAAAAGGCTGAAAGCCACATCTAACTAAAGGTGGTCTGTGCTCTGTTAA-3'

ClinVar aggregate classification (germline): Benign (1 of 4 stars; one submission).

Conditions:
Thyroid hormone resistance, generalized, autosomal dominant (GRTHD). Also called: HYPERTHYROXINEMIA, FAMILIAL EUTHYROID, SECONDARY TO PITUITARY AND PERIPHERAL RESISTANCE TO THYROID HORMONES. Identifiers: MedGen C2937288, MONDO:0008569, OMIM 188570.

Allele frequency attached by ClinVar (database versions not stated): gnomAD exomes 0.00152; 1000 Genomes Project 0.00180; gnomAD 0.00200 and 0.00202; 1000 Genomes Project 30x 0.00219; TOPMed 0.00415.
gnomAD v4.1: 398 of 216,464 alleles (0.18%); highest among the groups gnomAD compares: Admixed American, 1.9%; 6 homozygotes.

Submission:

Illumina Laboratory Services, Illumina
Classification: Benign for Thyroid hormone resistance, generalized, autosomal dominant. Last evaluated: 2018-01-13. Review status: criteria provided, single submitter. Criteria: ICSL Variant Classification Criteria 13 December 2019. Collection method: clinical testing. Allele origin: germline.
Comment: This variant was observed in the ICSL laboratory as part of a predisposition screen in an ostensibly healthy population. It had not been previously curated by ICSL or reported in the Human Gene Mutation Database (HGMD: prior to June 1st, 2018), and was therefore a candidate for classification through an automated scoring system. Utilizing variant allele frequency, disease prevalence and penetrance estimates, and inheritance mode, an automated score was calculated to assess if this variant is too frequent to cause the disease. Based on the score and internal cut-off values, a variant classified as benign is not then subjected to further curation. The score for this variant resulted in a classification of benign for this disease.